The following is an entry in ClinVar:

ClinVar aggregate classification (germline): Uncertain significance. Review status: criteria provided, multiple submitters, no conflicts (2 of 4 stars). 2 submissions from 2 submitters: Uncertain significance (2). Last evaluated 2025-02-13.

Allele frequency attached by ClinVar (database versions not stated): gnomAD exomes below 0.00001; TOPMed 0.00002; gnomAD 0.00004.
gnomAD v4.1: 6 of 1,200,040 alleles (0.0005%); highest among the groups gnomAD compares: Non-Finnish European, 0.00067%; no homozygotes.

Submissions (2):

Ambry Genetics
Classification: Uncertain significance. Last evaluated: 2025-02-13. Review status: criteria provided, single submitter. Criteria: Ambry Variant Classification Scheme 2023. Collection method: clinical testing. Allele origin: germline.

Labcorp Genetics (formerly Invitae), Labcorp
Classification: Uncertain significance. Last evaluated: 2023-02-10. Review status: criteria provided, single submitter. Criteria: Invitae Variant Classification Sherloc (09022015). Collection method: clinical testing. Allele origin: germline.
Comment: This sequence change replaces proline, which is neutral and non-polar, with alanine, which is neutral and non-polar, at codon 902 of the WNK3 protein (p.Pro902Ala). This variant is not present in population databases (gnomAD no frequency). This variant has not been reported in the literature in individuals affected with WNK3-related conditions. Algorithms developed to predict the effect of missense changes on protein structure and function (SIFT, PolyPhen-2, Align-GVGD) all suggest that this variant is likely to be tolerated. In summary, the available evidence is currently insufficient to determine the role of this variant in disease. Therefore, it has been classified as a Variant of Uncertain Significance.

NM_020922.5(WNK3):c.2704C>G (p.Pro902Ala)

Gene: WNK3 (WNK lysine deficient protein kinase 3; minus strand). Cytogenetic location: Xp11.22.
Variant type: single nucleotide variant.
Coding change: c.2704C>G on transcript NM_020922.5 (MANE Select); coding-DNA position 2704, C replaced by G.
Protein change: p.Pro902Ala; replaces proline 902 with alanine.
Molecular consequence: missense variant.
Genome position (GRCh38, 1-based): chrX:54,250,003, G>C on the plus strand (C>G on the coding strand, the complement: WNK3 is on the minus strand). VCF-style: chrX-54250003-G-C. GRCh37 (hg19) VCF-style: chrX-54276436-G-C.
Other names: c.2704C>G, p.Pro902Ala (NM_001002838.4, NM_001395166.1); short protein forms P902A.
Identifiers: ClinVar variation 2798980 (VCV002798980.4), dbSNP rs782085509, ClinGen allele CA10424420.